The following is an entry in ClinVar:

NM_152384.3(BBS5):c.380T>C (p.Val127Ala)

Gene: BBS5 (Bardet-Biedl syndrome 5; plus strand). Cytogenetic location: 2q31.1.
Variant type: single nucleotide variant.
Coding change: c.380T>C on transcript NM_152384.3 (MANE Select); coding-DNA position 380, T replaced by C.
Protein change: p.Val127Ala; replaces valine 127 with alanine.
Molecular consequence: missense variant.
Genome position (GRCh38, 1-based): chr2:169,488,108, T>C. VCF-style: chr2-169488108-T-C. GRCh37 (hg19) VCF-style: chr2-170344618-T-C.
Other names: short protein forms V127A.
Identifiers: ClinVar variation 3354037 (VCV003354037.1).

ClinVar aggregate classification (germline): Uncertain significance (0 of 4 stars; one submission).

Conditions:
BBS5-related disorder. Also called: BBS5-related condition.

gnomAD v4.1: 3 of 1,613,006 alleles (0.00019%); highest among the groups gnomAD compares: Admixed American, 0.0033%; no homozygotes.

Submission:

PreventionGenetics, part of Exact Sciences
Classification: Uncertain significance for BBS5-related condition. Last evaluated: 2024-06-03. Review status: no assertion criteria provided. Collection method: clinical testing. Allele origin: germline.
Comment: The BBS5 c.380T>C variant is predicted to result in the amino acid substitution p.Val127Ala. To our knowledge, this variant has not been reported in the literature. This variant is reported in 0.0058% of alleles in individuals of Latino descent in gnomAD. At this time, the clinical significance of this variant is uncertain due to the absence of conclusive functional and genetic evidence.